The following is an entry in ClinVar:

ClinVar aggregate classification (germline): Uncertain significance. Review status: criteria provided, multiple submitters, no conflicts (2 of 4 stars). 3 submissions from 3 submitters: Uncertain significance (3). Last evaluated 2023-04-25.

Conditions:
Brody myopathy. Also called: BRODY DISEASE. Identifiers: Orphanet 53347, MedGen C1832918, MONDO:0010977, OMIM 601003.
Inborn genetic diseases. Identifiers: MedGen C0950123, MeSH D030342.

Allele frequency attached by ClinVar (database versions not stated): ExAC 0.00006; ESP Exome Variant Server 0.00015.
gnomAD v4.1: 51 of 1,613,730 alleles (0.0032%); highest among the groups gnomAD compares: South Asian, 0.025%; no homozygotes.

Submissions (3):

Revvity Omics, Revvity
Classification: Uncertain significance for Brody myopathy. Last evaluated: 2023-04-25. Review status: criteria provided, single submitter. Criteria: ACMG Guidelines, 2015. Collection method: clinical testing. Allele origin: germline.

Labcorp Genetics (formerly Invitae), Labcorp
Classification: Uncertain significance for Brody myopathy. Last evaluated: 2022-03-29. Review status: criteria provided, single submitter. Criteria: Invitae Variant Classification Sherloc (09022015). Collection method: clinical testing. Allele origin: germline.
Comment: This sequence change replaces alanine, which is neutral and non-polar, with threonine, which is neutral and polar, at codon 390 of the ATP2A1 protein (p.Ala390Thr). This variant is present in population databases (rs372270451, gnomAD 0.03%). This variant has not been reported in the literature in individuals affected with ATP2A1-related conditions. Algorithms developed to predict the effect of missense changes on protein structure and function (SIFT, PolyPhen-2, Align-GVGD) all suggest that this variant is likely to be tolerated. In summary, the available evidence is currently insufficient to determine the role of this variant in disease. Therefore, it has been classified as a Variant of Uncertain Significance.

Ambry Genetics
Classification: Uncertain significance for Inborn genetic diseases. Last evaluated: 2021-09-17. Review status: criteria provided, single submitter. Criteria: Ambry Variant Classification Scheme 2023. Collection method: clinical testing. Allele origin: germline.

NM_004320.6(ATP2A1):c.1168G>A (p.Ala390Thr)

Gene: ATP2A1 (ATPase sarcoplasmic/endoplasmic reticulum Ca2+ transporting 1; plus strand). Cytogenetic location: 16p11.2.
Variant type: single nucleotide variant.
Coding change: c.1168G>A on transcript NM_004320.6 (MANE Select); coding-DNA position 1168, G replaced by A.
Protein change: p.Ala390Thr; replaces alanine 390 with threonine.
Molecular consequence: missense variant.
Genome position (GRCh38, 1-based): chr16:28,894,227, G>A. VCF-style: chr16-28894227-G-A. GRCh37 (hg19) VCF-style: chr16-28905548-G-A.
Other names: c.1168G>A (NM_173201.4); c.793G>A, p.Ala265Thr (NM_001286075.2); c.1168G>A, p.Ala390Thr (NM_173201.5); short protein forms A390T, A265T.
Identifiers: ClinVar variation 2081456 (VCV002081456.5), dbSNP rs372270451, ClinGen allele CA7986870.